The following is an entry in ClinVar:

NM_004260.4(RECQL4):c.2756-8G>T

Gene: RECQL4 (RecQ like helicase 4; minus strand). Cytogenetic location: 8q24.3.
Variant type: single nucleotide variant.
Coding change: c.2756-8G>T on transcript NM_004260.4 (MANE Select); 8 bases into the intron before coding-DNA position 2756, G replaced by T.
Molecular consequence: intron variant.
Genome position (GRCh38, 1-based): chr8:144,512,779, C>A on the plus strand (G>T on the coding strand, the complement: RECQL4 is on the minus strand). VCF-style: chr8-144512779-C-A. GRCh37 (hg19) VCF-style: chr8-145738162-C-A.
Identifiers: ClinVar variation 414196 (VCV000414196.38), dbSNP rs372723857, ClinGen allele CA4948090.
Genomic context (GRCh38, chr8:144,512,779, plus strand): 5'-CTCCAGCCAGTGGTGTGGGTGCAGCTCCAGGTAGCACAGCAAAGTCTCGATGGCTGGGGG[C>A]AGAGCAGGGCTCAGCGGACGCGGGGACAGCCCCTCCACACCCCTGTGGCTTACCCCAGGT-3'

ClinVar aggregate classification (germline): Benign/Likely benign. Review status: criteria provided, multiple submitters, no conflicts (2 of 4 stars). 7 submissions from 6 submitters: Benign (3); Likely benign (4). Last evaluated 2026-02-01.

Conditions:
Rothmund-Thomson syndrome type 2 (RTS2). Identifiers: Orphanet 221016, MedGen C5203410, MONDO:0016369, OMIM 268400.
Hereditary cancer-predisposing syndrome. Also called: Tumor predisposition; Hereditary neoplastic syndrome; Hereditary Cancer Syndrome; Neoplastic Syndromes, Hereditary. Identifiers: Orphanet 140162, MedGen C0027672, MeSH D009386, MONDO:0015356.
Baller-Gerold syndrome (BGS). Also called: CRANIOSYNOSTOSIS WITH RADIAL DEFECTS. Identifiers: Orphanet 1225, MedGen C0265308, MONDO:0009039, OMIM 218600.
Rapadilino syndrome. Identifiers: Orphanet 3021, MedGen C1849453, MONDO:0009955, OMIM 266280.

Allele frequency attached by ClinVar (database versions not stated): gnomAD 0.00007 and 0.00009; TOPMed 0.00010; ExAC 0.00016; ESP Exome Variant Server 0.00016; gnomAD exomes 0.00016 and 0.00024.

Submissions (7):

CeGaT Center for Human Genetics Tuebingen
Classification: Likely benign. Last evaluated: 2026-02-01. Review status: criteria provided, single submitter. Criteria: CeGaT Center For Human Genetics Tuebingen Variant Classification Criteria Version 2. Collection method: clinical testing. Allele origin: germline. Affected: yes. Observed: 3 variant alleles.
Comment: RECQL4: BP4

Labcorp Genetics (formerly Invitae), Labcorp
Classification: Benign for Baller-Gerold syndrome. Last evaluated: 2026-01-14. Review status: criteria provided, single submitter. Criteria: Invitae Variant Classification Sherloc (09022015). Collection method: clinical testing. Allele origin: germline.

KCCC/NGS Laboratory, Kuwait Cancer Control Center
Classification: Benign for Rapadilino syndrome. Last evaluated: 2025-02-01. Review status: criteria provided, single submitter. Criteria: ACMG Guidelines, 2015. Collection method: clinical testing. Allele origin: germline. Affected: no.

Blueprint Genetics
Classification: Likely benign. Last evaluated: 2024-11-27. Review status: criteria provided, single submitter. Criteria: ACMG Guidelines, 2015. Collection method: clinical testing. Allele origin: germline.

KCCC/NGS Laboratory, Kuwait Cancer Control Center
Classification: Likely benign for Rothmund-Thomson syndrome type 2. Last evaluated: 2023-07-07. Review status: criteria provided, single submitter. Criteria: ACMG Guidelines, 2015. Collection method: clinical testing. Allele origin: germline. Affected: yes.

Sema4
Classification: Likely benign for Hereditary cancer-predisposing syndrome. Last evaluated: 2022-01-27. Review status: criteria provided, single submitter. Criteria: Sema4 Curation Guidelines. Collection method: curation. Allele origin: germline.

Breakthrough Genomics
Classification: Benign. Review status: criteria provided, single submitter. Criteria: ACMG Guidelines, 2015. Collection method: not provided. Allele origin: germline. Inheritance: Autosomal recessive inheritance. Affected: yes.

Literature cited by the submitters: PubMed 31829210 (cited by Sema4).